The following is an entry in ClinVar:

NM_001267550.2(TTN):c.56648-1G>A

Genes: TTN (titin; minus strand), TTN-AS1 (TTN antisense RNA 1; plus strand). Cytogenetic location: 2q31.2.
Variant type: single nucleotide variant.
Coding change: c.56648-1G>A on transcript NM_001267550.2 (MANE Select); the canonical splice acceptor site of the intron before coding-DNA position 56648, G replaced by A.
Molecular consequence: splice acceptor variant.
Genome position (GRCh38, 1-based): chr2:178,599,063, C>T on the plus strand (G>A on the coding strand, the complement: TTN is on the minus strand). VCF-style: chr2-178599063-C-T. GRCh37 (hg19) VCF-style: chr2-179463790-C-T.
Other names: c.29453-1G>A (NM_003319.4); c.30029-1G>A (NM_133437.4); c.29828-1G>A (NM_133432.3); c.48944-1G>A (NM_133378.4); c.51725-1G>A (NM_001256850.1).
Identifiers: ClinVar variation 666351 (VCV000666351.16), dbSNP rs769912484, ClinGen allele CA1993202.

ClinVar aggregate classification (germline): Conflicting classifications of pathogenicity. Review status: criteria provided, conflicting classifications (1 of 4 stars). 8 submissions from 8 submitters: Pathogenic (1); Likely pathogenic (5); Uncertain significance (1). 1 of the submissions does not count toward it. Last evaluated 2026-03-27.

Conditions:
Early-onset myopathy with fatal cardiomyopathy (CMYO5). Also called: CONGENITAL MYOPATHY 5 WITH CARDIOMYOPATHY; Salih Myopathy. Identifiers: Orphanet 289377, MedGen C2673677, MONDO:0012714, OMIM 611705. Disease mechanism: loss of function.
Dilated cardiomyopathy 1G (CMD1G). Identifiers: Orphanet 154, MedGen C1858763, MONDO:0011400, OMIM 604145.
Cardiovascular phenotype. Identifiers: MedGen CN230736.
Autosomal recessive limb-girdle muscular dystrophy type 2J (LGMDR10). Also called: Limb-girdle muscular dystrophy, type 2J; MUSCULAR DYSTROPHY, LIMB-GIRDLE, AUTOSOMAL RECESSIVE 10. Identifiers: Orphanet 140922, MedGen C1837342, MONDO:0012127, OMIM 608807.

Allele frequency attached by ClinVar (database versions not stated): ExAC 0.00001; gnomAD 0.00001; gnomAD exomes 0.00001; TOPMed 0.00005.

Submissions (8):

Dasa
Classification: Likely pathogenic. Last evaluated: 2026-03-27. Review status: criteria provided, single submitter. Criteria: DASA Assertion Criteria. Collection method: clinical testing. Allele origin: germline.
Comment: NM_001267550.2(TTN):c.56648-1G>A affects a canonical splice site and is predicted to disrupt normal RNA splicing. Loss of function is an established disease mechanism for TTN-associated disorders. This variant has been reported in individuals with TTN-related disorders (PMID: 34440373). Also, this variant is rare in population databases. Based on the currently available evidence, this variant is classified as likely pathogenic.

Ambry Genetics
Classification: Uncertain significance for Cardiovascular phenotype. Last evaluated: 2025-05-05. Review status: criteria provided, single submitter. Criteria: Ambry Variant Classification Scheme 2023. Collection method: clinical testing. Allele origin: germline.
Comment: The c.29453-1G>A intronic variant results from a G to A substitution one nucleotide before coding exon 118 of the TTN gene. This exon is located in the A-band region of the N2-B isoform of the titin protein and is constitutively expressed in TTN transcripts (percent spliced in or PSI 100%). This variant (referred to as NM_001267550.1:c.56648-1G>A) has been identified in trans with a second TTN variant in an individual with features consistent with congenital myopathy (Juntas Morales R et al. Genes (Basel), 2021 Jul;12). This nucleotide position is highly conserved in available vertebrate species. In silico splice site analysis predicts that this alteration will weaken the native splice acceptor site. This variant disrupts the canonical splice site and is expected to cause aberrant splicing. However, although direct evidence is unavailable, this alteration is predicted to result in an in-frame transcript that is not expected to trigger nonsense-mediated mRNA decay. The exact functional effect of the predicted splice impact is unknown. Based on the available evidence, the clinical significance of this variant remains unclear.

Labcorp Genetics (formerly Invitae), Labcorp
Classification: Likely pathogenic for Dilated cardiomyopathy 1G; Autosomal recessive limb-girdle muscular dystrophy type 2J. Last evaluated: 2024-11-17. Review status: criteria provided, single submitter. Criteria: Invitae Variant Classification Sherloc (09022015). Collection method: clinical testing. Allele origin: germline.
Comment: This sequence change affects an acceptor splice site in intron 290 of the TTN gene. It is expected to disrupt RNA splicing and likely results in a truncated or disrupted TTN protein. This variant is present in population databases (rs769912484, gnomAD 0.005%). Disruption of this splice site has been observed in individual(s) with autosomal recessive centronuclear myopathy (PMID: 34440373). ClinVar contains an entry for this variant (Variation ID: 666351). Algorithms developed to predict the effect of sequence changes on RNA splicing suggest that this variant may disrupt the consensus splice site. This variant is located in the A band of TTN (PMID: 25589632). Truncating variants in this region are significantly overrepresented in patients affected with dilated cardiomyopathy (PMID: 25589632). Truncating variants in this region have also been reported in individuals affected with autosomal recessive centronuclear myopathy (PMID: 23975875). In summary, the currently available evidence indicates that the variant is pathogenic, but additional data are needed to prove that conclusively. Therefore, this variant has been classified as Likely Pathogenic.

Revvity Omics, Revvity
Classification: Pathogenic. Last evaluated: 2024-03-20. Review status: criteria provided, single submitter. Criteria: ACMG Guidelines, 2015. Collection method: clinical testing. Allele origin: germline.

GeneDx
Classification: Likely pathogenic. Last evaluated: 2022-02-01. Review status: criteria provided, single submitter. Criteria: GeneDx Variant Classification Process June 2021. Collection method: clinical testing. Allele origin: germline. Affected: yes.
Comment: Canonical splice site variant expected to result in aberrant splicing, although in the absence of functional evidence the actual effect of this sequence change is unknown.; Not observed at significant frequency in large population cohorts (gnomAD); Has not been previously published as pathogenic or benign to our knowledge; Located in the A-band region of the TTN gene, where the majority of truncating pathogenic variants associated with dilated cardiomyopathy have been reported (Herman et al., 2012); This variant is associated with the following publications: (PMID: 34440373)

Equipe Genetique des Anomalies du Developpement, Université de Bourgogne
Classification: Likely pathogenic for Early-onset myopathy with fatal cardiomyopathy. Last evaluated: 2015-01-01. Review status: criteria provided, single submitter. Criteria: ACMG Guidelines, 2007. Collection method: clinical testing. Allele origin: inherited. Affected: yes.

Clinical Genetics Service, Universitary Hospital 12 de Octubre
Classification: Likely pathogenic for Dilated cardiomyopathy 1G. Review status: criteria provided, single submitter. Criteria: ACMG Guidelines, 2015. Collection method: clinical testing. Allele origin: germline. Affected: yes.

Cardiogenetics and Myogenetics Molecular and Cellular Functional Unit, Aphp Sorbonne University-Hopital Pitie Salpetriere
Classification: Uncertain significance for Dilated cardiomyopathy 1G. Last evaluated: 2024-01-06. Review status: no assertion criteria provided. Collection method: clinical testing. Allele origin: germline. Affected: yes. Not counted in ClinVar's aggregate classification.

Literature cited by the submitters: PubMed 34440373 (cited by 3 submitters); PubMed 25589632 (cited by Labcorp Genetics (formerly Invitae), Labcorp); PubMed 23975875 (cited by Labcorp Genetics (formerly Invitae), Labcorp).